The following is an entry in ClinVar:

ClinVar aggregate classification (germline): Uncertain significance. Review status: criteria provided, single submitter (1 of 4 stars). 2 submissions from 2 submitters: Uncertain significance (1). 1 of the submissions does not count toward it. Last evaluated 2021-08-31.

Conditions:
Mucopolysaccharidosis type 1. Also called: IDUA deficiency; MPS I. Identifiers: Orphanet 579, MedGen C0023786, MONDO:0001586.

Submissions (2):

Labcorp Genetics (formerly Invitae), Labcorp
Classification: Uncertain significance for Mucopolysaccharidosis type 1. Last evaluated: 2021-08-31. Review status: criteria provided, single submitter. Criteria: Invitae Variant Classification Sherloc (09022015). Collection method: clinical testing. Allele origin: germline.
Comment: This sequence change replaces phenylalanine with leucine at codon 369 of the IDUA protein (p.Phe369Leu). The phenylalanine residue is highly conserved and there is a small physicochemical difference between phenylalanine and leucine. This variant is not present in population databases (ExAC no frequency). This variant has not been reported in the literature in individuals affected with IDUA-related conditions. Advanced modeling of protein sequence and biophysical properties (such as structural, functional, and spatial information, amino acid conservation, physicochemical variation, residue mobility, and thermodynamic stability) performed at Invitae indicates that this missense variant is expected to disrupt IDUA protein function. In summary, the available evidence is currently insufficient to determine the role of this variant in disease. Therefore, it has been classified as a Variant of Uncertain Significance.

Natera, Inc.
Classification: Uncertain significance for Mucopolysaccharidosis type I. Last evaluated: 2019-09-11. Review status: no assertion criteria provided. Collection method: clinical testing. Allele origin: germline. Not counted in ClinVar's aggregate classification.

NM_000203.5(IDUA):c.1105T>C (p.Phe369Leu)

Gene: IDUA (alpha-L-iduronidase; plus strand). Cytogenetic location: 4p16.3.
Variant type: single nucleotide variant.
Coding change: c.1105T>C on transcript NM_000203.5 (MANE Select); coding-DNA position 1105, T replaced by C.
Protein change: p.Phe369Leu; replaces phenylalanine 369 with leucine.
Molecular consequence: missense variant. On other transcripts: non-coding transcript variant (1).
Genome position (GRCh38, 1-based): chr4:1,002,401, T>C. VCF-style: chr4-1002401-T-C. GRCh37 (hg19) VCF-style: chr4-996189-T-C.
Other names: c.709T>C, p.Phe237Leu (NM_001363576.1); short protein forms F237L, F369L.
Identifiers: ClinVar variation 1019832 (VCV001019832.10), dbSNP rs1715147247, ClinGen allele CA355963338.